The following is an entry in ClinVar:

ClinVar aggregate classification (germline): Uncertain significance. Review status: criteria provided, multiple submitters, no conflicts (2 of 4 stars). 2 submissions from 2 submitters: Uncertain significance (2). Last evaluated 2024-11-28.

Conditions:
Cardiovascular phenotype. Identifiers: MedGen CN230736.
Progressive familial heart block type IB (PFHB1B). Identifiers: Orphanet 871, MedGen C1970298, MONDO:0011474, OMIM 604559.

Allele frequency attached by ClinVar (database versions not stated): gnomAD 0.00001; TOPMed 0.00002.
gnomAD v4.1: 3 of 1,613,774 alleles (0.00019%); highest among the groups gnomAD compares: African/African-American, 0.004%; no homozygotes.

Submissions (2):

Ambry Genetics
Classification: Uncertain significance for Cardiovascular phenotype. Last evaluated: 2024-11-28. Review status: criteria provided, single submitter. Criteria: Ambry Variant Classification Scheme 2023. Collection method: clinical testing. Allele origin: germline.

Labcorp Genetics (formerly Invitae), Labcorp
Classification: Uncertain significance for Progressive familial heart block type IB. Last evaluated: 2023-07-26. Review status: criteria provided, single submitter. Criteria: Invitae Variant Classification Sherloc (09022015). Collection method: clinical testing. Allele origin: germline.
Comment: In summary, the available evidence is currently insufficient to determine the role of this variant in disease. Therefore, it has been classified as a Variant of Uncertain Significance. Algorithms developed to predict the effect of missense changes on protein structure and function output the following: SIFT: "Not Available"; PolyPhen-2: "Possibly Damaging"; Align-GVGD: "Not Available". The arginine amino acid residue is found in multiple mammalian species, which suggests that this missense change does not adversely affect protein function. ClinVar contains an entry for this variant (Variation ID: 1399523). This variant has not been reported in the literature in individuals affected with TRPM4-related conditions. This variant is present in population databases (no rsID available, gnomAD 0.01%). This sequence change replaces lysine, which is basic and polar, with arginine, which is basic and polar, at codon 13 of the TRPM4 protein (p.Lys13Arg).

NM_017636.4(TRPM4):c.38A>G (p.Lys13Arg)

Gene: TRPM4 (transient receptor potential cation channel subfamily M member 4; plus strand). Cytogenetic location: 19q13.33.
Variant type: single nucleotide variant.
Coding change: c.38A>G on transcript NM_017636.4 (MANE Select); coding-DNA position 38, A replaced by G.
Protein change: p.Lys13Arg; replaces lysine 13 with arginine.
Molecular consequence: missense variant. On other transcripts: 5 prime UTR variant (3).
Genome position (GRCh38, 1-based): chr19:49,158,205, A>G. VCF-style: chr19-49158205-A-G. GRCh37 (hg19) VCF-style: chr19-49661462-A-G.
Other names: c.38A>G (NM_017636.3); c.38A>G, p.Lys13Arg (NM_001195227.2, NM_001321281.2); c.-1335A>G (NM_001321282.2); c.-129A>G (NM_001321283.2); c.-292A>G (NM_001321285.2); short protein forms K13R.
Identifiers: ClinVar variation 1399523 (VCV001399523.8), dbSNP rs767972673, ClinGen allele CA406787888.